The following is an entry in ClinVar:

ClinVar aggregate classification (germline): Uncertain significance (1 of 4 stars; one submission).

Conditions:
Inborn genetic diseases. Identifiers: MedGen C0950123, MeSH D030342.

Submission:

Ambry Genetics
Classification: Uncertain significance for Inborn genetic diseases. Last evaluated: 2018-12-19. Review status: criteria provided, single submitter. Criteria: Ambry Variant Classification Scheme 2023. Collection method: clinical testing. Allele origin: germline.
Comment: The p.N390K variant (also known as c.1170C>A), located in coding exon 6 of the HNRNPU gene, results from a C to A substitution at nucleotide position 1170. The asparagine at codon 390 is replaced by lysine, an amino acid with similar properties. This amino acid position is well conserved in available vertebrate species. In addition, this alteration is predicted to be tolerated by in silico analysis. Since supporting evidence is limited at this time, the clinical significance of this alteration remains unclear.

NM_031844.3(HNRNPU):c.1170C>A (p.Asn390Lys)

Gene: HNRNPU (heterogeneous nuclear ribonucleoprotein U; minus strand). Cytogenetic location: 1q44.
Variant type: single nucleotide variant.
Coding change: c.1170C>A on transcript NM_031844.3 (MANE Select); coding-DNA position 1170, C replaced by A.
Protein change: p.Asn390Lys; replaces asparagine 390 with lysine.
Molecular consequence: missense variant.
Genome position (GRCh38, 1-based): chr1:244,858,789, G>T on the plus strand (C>A on the coding strand, the complement: HNRNPU is on the minus strand). VCF-style: chr1-244858789-G-T. GRCh37 (hg19) VCF-style: chr1-245022091-G-T.
Other names: c.1113C>A, p.Asn371Lys (NM_004501.3); short protein forms N371K, N390K.
Identifiers: ClinVar variation 1739415 (VCV001739415.2), dbSNP rs2527880585, ClinGen allele CA345492244.